The following is an entry in ClinVar:

ClinVar aggregate classification (germline): Pathogenic/Likely pathogenic. Review status: criteria provided, multiple submitters, no conflicts (2 of 4 stars). 2 submissions from 2 submitters: Pathogenic (1); Likely pathogenic (1). Last evaluated 2025-03-24.

Conditions:
Congenital secretory sodium diarrhea 8. Identifiers: Orphanet 103908, MedGen C5441928, MONDO:0014808, OMIM 616868.

gnomAD v4.1: 5 of 1,445,036 alleles (0.00035%); highest among the groups gnomAD compares: Non-Finnish European, 0.00048%; no homozygotes.

Submissions (2):

Labcorp Genetics (formerly Invitae), Labcorp
Classification: Pathogenic. Last evaluated: 2025-03-24. Review status: criteria provided, single submitter. Criteria: Invitae Variant Classification Sherloc (09022015). Collection method: clinical testing. Allele origin: germline.
Comment: This sequence change affects a donor splice site in intron 8 of the SLC9A3 gene. It is expected to disrupt RNA splicing. Variants that disrupt the donor or acceptor splice site typically lead to a loss of protein function (PMID: 16199547), and loss-of-function variants in SLC9A3 are known to be pathogenic (PMID: 26358773). This variant is not present in population databases (gnomAD no frequency). Disruption of this splice site has been observed in individuals with congenital sodium diarrhea (PMID: 26358773, 33350492). ClinVar contains an entry for this variant (Variation ID: 2203602). Algorithms developed to predict the effect of sequence changes on RNA splicing suggest that this variant may disrupt the consensus splice site. For these reasons, this variant has been classified as Pathogenic.

Juno Genomics, Hangzhou Juno Genomics, Inc
Classification: Likely pathogenic for Congenital secretory sodium diarrhea 8. Review status: criteria provided, single submitter. Criteria: ACMG Guidelines, 2015. Collection method: clinical testing. Allele origin: germline.
Comment: Absent from controls (or at extremely low frequency if recessive) in Genome Aggregation Database.;Null variant in a gene where loss of function (LOF) is a known mechanism of disease.;For recessive disorders, detected in trans with a pathogenic variant.;Patient's phenotype or family history is highly specific for a disease with a single genetic etiology.

Literature cited by the submitters: PubMed 16199547 (cited by Labcorp Genetics (formerly Invitae), Labcorp); PubMed 26358773 (cited by Labcorp Genetics (formerly Invitae), Labcorp); PubMed 33350492 (cited by Labcorp Genetics (formerly Invitae), Labcorp).

NM_004174.4(SLC9A3):c.1446+1G>A

Gene: SLC9A3 (solute carrier family 9 member A3). Cytogenetic location: 5p15.33.
Variant type: single nucleotide variant.
Coding change: c.1446+1G>A on transcript NM_004174.4 (MANE Select); the canonical splice donor site of the intron after coding-DNA position 1446, G replaced by A.
Molecular consequence: splice donor variant.
Genome position (GRCh38, 1-based): chr5:482,067, C>T on the plus strand (G>A on the coding strand, the complement: SLC9A3 is on the minus strand). VCF-style: chr5-482067-C-T. GRCh37 (hg19) VCF-style: chr5-482182-C-T.
Other names: c.1419+1G>A (NM_001284351.3).
Identifiers: ClinVar variation 2203602 (VCV002203602.6), dbSNP rs763807389, ClinGen allele CA359026952.
Genomic context (GRCh38, chr5:482,067, plus strand): 5'-TCTCAGCCCAGCCCCGAGGAACACGCAGTGCCCCCCCCCCGCCCCCCAGCCCCGCACTTA[C>T]GCGCCCGTGCAGCTTCTCGTTGAGCCGAGGTTCCCGGTGCTCGCTCCTCTTCACCTTCAG-3'